The following is an entry in ClinVar:

NM_002863.5(PYGL):c.1334T>C (p.Leu445Pro)

Gene: PYGL (glycogen phosphorylase L; minus strand). Cytogenetic location: 14q22.1.
Variant type: single nucleotide variant.
Coding change: c.1334T>C on transcript NM_002863.5 (MANE Select); coding-DNA position 1334, T replaced by C.
Protein change: p.Leu445Pro; replaces leucine 445 with proline.
Molecular consequence: missense variant.
Genome position (GRCh38, 1-based): chr14:50,915,405, A>G on the plus strand (T>C on the coding strand, the complement: PYGL is on the minus strand). VCF-style: chr14-50915405-A-G. GRCh37 (hg19) VCF-style: chr14-51382123-A-G.
Other names: c.1232T>C, p.Leu411Pro (NM_001163940.2); short protein forms L445P, L411P.
Identifiers: ClinVar variation 941372 (VCV000941372.11), dbSNP rs2050437440, ClinGen allele CA389687670.

ClinVar aggregate classification (germline): Likely pathogenic. Review status: criteria provided, multiple submitters, no conflicts (2 of 4 stars). 4 submissions from 4 submitters: Likely pathogenic (4). Last evaluated 2025-09-24.

Conditions:
Glycogen storage disease, type VI (GSD6). Also called: HERS DISEASE; PHOSPHORYLASE DEFICIENCY GLYCOGEN-STORAGE DISEASE OF LIVER; Glycogen storage disease type 6; Hepatic glycogen phosphorylase deficiency; Glycogen storage disease type 6, due to phosphorylation; GSD VI. Identifiers: Orphanet 369, MedGen C0017925, MONDO:0009294, OMIM 232700.

Allele frequency attached by ClinVar (database versions not stated): gnomAD exomes below 0.00001.
gnomAD v4.1: 1 of 1,614,190 alleles (0.000062%); highest among the groups gnomAD compares: East Asian, 0.0022%; no homozygotes.

Submissions (4):

Genesolutions, Medical Genetics Institutes, Ho Chi Minh City, Vietnam
Classification: Likely pathogenic for Glycogen storage disease, type VI. Last evaluated: 2025-09-24. Review status: criteria provided, single submitter. Criteria: ACMG Guidelines, 2015. Collection method: clinical testing. Allele origin: germline. Affected: yes.

Fulgent Genetics
Classification: Likely pathogenic for Glycogen storage disease, type VI. Last evaluated: 2024-06-15. Review status: criteria provided, single submitter. Criteria: ACMG Guidelines, 2015. Collection method: clinical testing. Allele origin: germline.

Labcorp Genetics (formerly Invitae), Labcorp
Classification: Likely pathogenic for Glycogen storage disease, type VI. Last evaluated: 2023-03-23. Review status: criteria provided, single submitter. Criteria: Invitae Variant Classification Sherloc (09022015). Collection method: clinical testing. Allele origin: germline.
Comment: This sequence change replaces leucine, which is neutral and non-polar, with proline, which is neutral and non-polar, at codon 445 of the PYGL protein (p.Leu445Pro). This variant is not present in population databases (gnomAD no frequency). This missense change has been observed in individual(s) with glycogen storage disease (Invitae). In at least one individual the data is consistent with being in trans (on the opposite chromosome) from a pathogenic variant. ClinVar contains an entry for this variant (Variation ID: 941372). Advanced modeling of protein sequence and biophysical properties (such as structural, functional, and spatial information, amino acid conservation, physicochemical variation, residue mobility, and thermodynamic stability) performed at Invitae indicates that this missense variant is expected to disrupt PYGL protein function. In summary, the currently available evidence indicates that the variant is pathogenic, but additional data are needed to prove that conclusively. Therefore, this variant has been classified as Likely Pathogenic.

Molecular Diagnostics Laboratory, Seoul National University Hospital
Classification: Likely pathogenic for Glycogen storage disease, type VI. Last evaluated: 2022-11-21. Review status: criteria provided, single submitter. Criteria: ACMG Guidelines, 2015. Collection method: clinical testing. Allele origin: germline. Affected: yes.